The following is an entry in ClinVar:

NM_007294.4(BRCA1):c.3762_3763insTT (p.Asn1255fs)

Genes: BRCA1 (BRCA1 DNA repair associated; minus strand), LOC126862571 (BRD4-independent group 4 enhancer GRCh37_chr17:41243136-41244335; plus strand). Cytogenetic location: 17q21.31.
Variant type: Insertion.
Coding change: c.3762_3763insTT on transcript NM_007294.4 (MANE Select); coding-DNA positions 3762 to 3763, TT inserted.
Protein change: p.Asn1255fs; shifts the reading frame from asparagine 1255.
Molecular consequence: frameshift variant. On other transcripts: intron variant (135).
Genome position: GRCh38 VCF-style: chr17-43091768-T-TAA. GRCh37 (hg19) VCF-style: chr17-41243785-T-TAA.
Other names: c.3621_3622insTT, p.Asn1208fs (NM_001407697.1, NM_001407698.1, NM_001407724.1 and 29 more transcripts); c.3618_3619insTT, p.Asn1207fs (NM_001407740.1, NM_001407741.1, NM_001407742.1 and 20 more transcripts); c.3549_3550insTT, p.Asn1184fs (NM_001407853.1, NM_001407894.1, NM_001407895.1 and 9 more transcripts); c.3762_3763insTT, p.Asn1255fs (NM_001407854.1, NM_001407858.1, NM_001407859.1 and 30 more transcripts); c.3759_3760insTT, p.Asn1254fs (NM_001407860.1, NM_001407861.1, NM_001407587.1 and 22 more transcripts); c.3561_3562insTT, p.Asn1188fs (NM_001407862.1); c.3639_3640insTT, p.Asn1214fs (NM_001407863.1, NM_001407919.1, NM_001407937.1 and 19 more transcripts); c.3558_3559insTT, p.Asn1187fs (NM_001407874.1, NM_001407875.1); and 41 more; short protein forms N1208fs, N1255fs, N1144fs, N1167fs, N1184fs, N1252fs, N959fs, N1087fs.
Identifiers: ClinVar variation 548244 (VCV000548244.2), dbSNP rs1555587113, ClinGen allele CA658823939.

ClinVar aggregate classification (germline): Pathogenic (3 of 4 stars; one submission).

Conditions:
Breast-ovarian cancer, familial, susceptibility to, 1 (BROVCA1). Also called: BRCA1 Hereditary Breast and Ovarian Cancer; OVARIAN CANCER, SUSCEPTIBILITY TO. Identifiers: Orphanet 145, MedGen C2676676, MONDO:0011450, OMIM 604370. Disease mechanism: loss of function.

Submission:

Evidence-based Network for the Interpretation of Germline Mutant Alleles (ENIGMA)
Classification: Pathogenic for Breast-ovarian cancer, familial, susceptibility to, 1. Last evaluated: 2017-12-15. Review status: reviewed by expert panel. Criteria: ENIGMA BRCA1/2 Classification Criteria (2017-06-29). Collection method: curation. Allele origin: germline. Study: ENIGMA.
Comment: Variant allele predicted to encode a truncated non-functional protein.